The following is an entry in ClinVar:

NM_001042492.3(NF1):c.5932C>T (p.Leu1978=)

Gene: NF1 (neurofibromin 1; plus strand). Cytogenetic location: 17q11.2.
Variant type: single nucleotide variant.
Coding change: c.5932C>T on transcript NM_001042492.3 (MANE Select); coding-DNA position 5932, C replaced by T.
Protein change: p.Leu1978=; no amino-acid change (leucine 1978 retained).
Molecular consequence: synonymous variant.
Genome position (GRCh38, 1-based): chr17:31,334,957, C>T. VCF-style: chr17-31334957-C-T. GRCh37 (hg19) VCF-style: chr17-29661975-C-T.
Other names: c.5869C>T, p.Leu1957= (NM_000267.4).
Identifiers: ClinVar variation 1564720 (VCV001564720.11), dbSNP rs2151550569, ClinGen allele CA499233786.

ClinVar aggregate classification (germline): Likely benign. Review status: criteria provided, multiple submitters, no conflicts (2 of 4 stars). 3 submissions from 3 submitters: Likely benign (2). 1 of the submissions does not count toward it. Last evaluated 2025-07-25.

Conditions:
Neurofibromatosis, type 1 (NF1). Also called: Neurofibromatosis, type I; VON RECKLINGHAUSEN DISEASE; NEUROFIBROMATOSIS, TYPE I, SOMATIC; Peripheral type neurofibromatosis. Identifiers: Orphanet 636, MedGen C0027831, MONDO:0018975, OMIM 162200. Disease mechanism: loss of function.
NF1-related disorder. Also called: NF1-related condition. Identifiers: MedGen CN379171.
Cardiovascular phenotype. Identifiers: MedGen CN230736.
Hereditary cancer-predisposing syndrome. Also called: Neoplastic Syndromes, Hereditary; Hereditary Cancer Syndrome; Hereditary neoplastic syndrome; Tumor predisposition. Identifiers: Orphanet 140162, MedGen C0027672, MeSH D009386, MONDO:0015356.

Submissions (3):

Ambry Genetics
Classification: Likely benign for Cardiovascular phenotype; Hereditary cancer-predisposing syndrome. Last evaluated: 2025-07-25. Review status: criteria provided, single submitter. Criteria: Ambry Variant Classification Scheme 2023. Collection method: clinical testing. Allele origin: germline.

Labcorp Genetics (formerly Invitae), Labcorp
Classification: Likely benign for Neurofibromatosis, type 1. Last evaluated: 2021-08-10. Review status: criteria provided, single submitter. Criteria: Invitae Variant Classification Sherloc (09022015). Collection method: clinical testing. Allele origin: germline.

PreventionGenetics, part of Exact Sciences
Classification: Likely benign for NF1-related condition. Last evaluated: 2023-12-15. Review status: no assertion criteria provided. Collection method: clinical testing. Allele origin: germline. Not counted in ClinVar's aggregate classification.
Comment: This variant is classified as likely benign based on ACMG/AMP sequence variant interpretation guidelines (Richards et al. 2015 PMID: 25741868, with internal and published modifications).